The following is an entry in ClinVar:

NM_018834.6(MATR3):c.1735-2_1735-1insAA

Genes: MATR3 (matrin 3; plus strand), LOC126807526 (CDK7 strongly-dependent group 2 enhancer GRCh37_chr5:138657767-138658966; plus strand). Cytogenetic location: 5q31.2.
Variant type: Insertion.
Coding change: c.1735-2_1735-1insAA on transcript NM_018834.6 (MANE Select); the canonical splice acceptor site of the intron before coding-DNA position 1735, AA inserted.
Molecular consequence: splice acceptor variant.
Genome position: GRCh38 VCF-style: chr5-139322460-T-TAA. GRCh37 (hg19) VCF-style: chr5-138658149-T-TAA.
Other names: c.1735-2_1735-1insAA (NM_001400451.1, NM_001400450.1, NM_001400441.1 and 16 more transcripts); c.874-2_874-1insAA (NM_001400459.1); c.721-2_721-1insAA (NM_001400463.1, NM_001400460.1, NM_001282278.2 and 5 more transcripts); c.835-2_835-1insAA (NM_001400461.1); c.871-2_871-1insAA (NM_001194956.2).
Identifiers: ClinVar variation 3649236 (VCV003649236.2).

ClinVar aggregate classification (germline): Uncertain significance (1 of 4 stars; one submission).

Conditions:
Amyotrophic lateral sclerosis type 21. Also called: VOCAL CORD AND PHARYNGEAL DYSFUNCTION WITH DISTAL MYOPATHY; MYOPATHY, DISTAL, 2. Identifiers: Orphanet 600, Orphanet 803, MedGen C3807521, MONDO:0011632, OMIM 606070.

Submission:

Labcorp Genetics (formerly Invitae), Labcorp
Classification: Uncertain significance for Amyotrophic lateral sclerosis type 21. Last evaluated: 2024-11-06. Review status: criteria provided, single submitter. Criteria: Invitae Variant Classification Sherloc (09022015). Collection method: clinical testing. Allele origin: germline.
Comment: This sequence change falls in intron 13 of the MATR3 gene. It does not directly change the encoded amino acid sequence of the MATR3 protein. It affects a nucleotide within the consensus splice site. This variant is present in population databases (rs775931483, gnomAD 0.003%). This variant has not been reported in the literature in individuals affected with MATR3-related conditions. Variants that disrupt the consensus splice site are a relatively common cause of aberrant splicing (PMID: 17576681, 9536098). Algorithms developed to predict the effect of sequence changes on RNA splicing suggest that this variant may disrupt the consensus splice site. In summary, the available evidence is currently insufficient to determine the role of this variant in disease. Therefore, it has been classified as a Variant of Uncertain Significance.

Literature cited by the submitters: PubMed 17576681; PubMed 9536098.